The following is an entry in ClinVar:

NM_001365951.3(KIF1B):c.4459A>G (p.Ser1487Gly)

Gene: KIF1B (kinesin family member 1B; plus strand). Cytogenetic location: 1p36.22.
Variant type: single nucleotide variant.
Coding change: c.4459A>G on transcript NM_001365951.3 (MANE Select); coding-DNA position 4459, A replaced by G.
Protein change: p.Ser1487Gly; replaces serine 1487 with glycine.
Molecular consequence: missense variant.
Genome position (GRCh38, 1-based): chr1:10,365,192, A>G. VCF-style: chr1-10365192-A-G. GRCh37 (hg19) VCF-style: chr1-10425250-A-G.
Other names: c.4459A>G, p.Ser1487Gly (NM_001365952.1); c.4321A>G, p.Ser1441Gly (NM_015074.3); short protein forms S1441G, S1487G.
Identifiers: ClinVar variation 1739704 (VCV001739704.3), dbSNP rs1638533511, ClinGen allele CA338320851.

ClinVar aggregate classification (germline): Uncertain significance (1 of 4 stars; one submission).

Allele frequency attached by ClinVar (database versions not stated): gnomAD 0.00001.
gnomAD v4.1: 1 of 1,613,966 alleles (0.000062%); highest among the groups gnomAD compares: South Asian, 0.0011%; no homozygotes.

Submission:

Ambry Genetics
Classification: Uncertain significance. Last evaluated: 2024-10-24. Review status: criteria provided, single submitter. Criteria: Ambry Variant Classification Scheme 2023. Collection method: clinical testing. Allele origin: germline.
Comment: The p.S1441G variant (also known as c.4321A>G), located in coding exon 39 of the KIF1B gene, results from an A to G substitution at nucleotide position 4321. The serine at codon 1441 is replaced by glycine, an amino acid with similar properties. This amino acid position is conserved. In addition, this alteration is predicted to be deleterious by in silico analysis. The evidence for this gene-disease relationship is limited; therefore, the clinical significance of this alteration is unclear.